The following is an entry in ClinVar:

ClinVar aggregate classification (germline): Uncertain significance (1 of 4 stars; one submission).

Submission:

Labcorp Genetics (formerly Invitae), Labcorp
Classification: Uncertain significance. Last evaluated: 2023-09-25. Review status: criteria provided, single submitter. Criteria: Invitae Variant Classification Sherloc (09022015). Collection method: clinical testing. Allele origin: germline.
Comment: This variant is not present in population databases (gnomAD no frequency). This sequence change replaces isoleucine, which is neutral and non-polar, with methionine, which is neutral and non-polar, at codon 4055 of the RNF213 protein (p.Ile4055Met). This missense change has been observed in individual(s) with autosomal dominant RNF213-related conditions (Invitae). In summary, the available evidence is currently insufficient to determine the role of this variant in disease. Therefore, it has been classified as a Variant of Uncertain Significance. Algorithms developed to predict the effect of sequence changes on RNA splicing suggest that this variant may disrupt the consensus splice site. An algorithm developed to predict the effect of missense changes on protein structure and function (PolyPhen-2) suggests that this variant is likely to be disruptive. ClinVar contains an entry for this variant (Variation ID: 1489077).

NM_001256071.3(RNF213):c.12165T>G (p.Ile4055Met)

Genes: RNF213 (ring finger protein 213; plus strand), RNF213-AS1 (RNF213 antisense RNA 1; minus strand). Cytogenetic location: 17q25.3.
Variant type: single nucleotide variant.
Coding change: c.12165T>G on transcript NM_001256071.3 (MANE Select); coding-DNA position 12165, T replaced by G.
Protein change: p.Ile4055Met; replaces isoleucine 4055 with methionine.
Molecular consequence: missense variant.
Genome position (GRCh38, 1-based): chr17:80,369,511, T>G. VCF-style: chr17-80369511-T-G. GRCh37 (hg19) VCF-style: chr17-78343311-T-G.
Other names: short protein forms I4055M.
Identifiers: ClinVar variation 1489077 (VCV001489077.8), dbSNP rs2144484990, ClinGen allele CA401409378.